The following is an entry in ClinVar:

ClinVar aggregate classification (germline): Likely pathogenic (1 of 4 stars; one submission).

Conditions:
Neurofibromatosis, type 1 (NF1). Also called: Neurofibromatosis, type I; VON RECKLINGHAUSEN DISEASE; Peripheral type neurofibromatosis; NEUROFIBROMATOSIS, TYPE I, SOMATIC. Identifiers: Orphanet 636, MedGen C0027831, MONDO:0018975, OMIM 162200. Disease mechanism: loss of function.

Submission:

Labcorp Genetics (formerly Invitae), Labcorp
Classification: Likely pathogenic for Neurofibromatosis, type 1. Last evaluated: 2019-02-18. Review status: criteria provided, single submitter. Criteria: Invitae Variant Classification Sherloc (09022015). Collection method: clinical testing. Allele origin: germline.
Comment: In summary, the currently available evidence indicates that the variant is pathogenic, but additional data are needed to prove that conclusively. Therefore, this variant has been classified as Likely Pathogenic. Loss-of-function variants in NF1 are known to be pathogenic (PMID: 10712197, 23913538). This variant has not been reported in the literature in individuals with NF1-related conditions. This variant is a deletion of the genomic region encompassing part of exon 20 (c.2396_2409+4del) of the NF1 gene. It is expected to disrupt RNA splicing and likely results in an absent or disrupted protein product.

Literature cited by the submitters: PubMed 10712197; PubMed 23913538.

NM_001042492.3(NF1):c.2396_2409+4del

Gene: NF1 (neurofibromin 1; plus strand). Cytogenetic location: 17q11.2.
Variant type: Deletion.
Coding change: c.2396_2409+4del on transcript NM_001042492.3 (MANE Select); coding-DNA position 2396 through 4 bases into the intron after coding-DNA position 2409, 18 bases deleted (TGGAAGATGGCCAGGTAA).
Molecular consequence: splice donor variant.
Genome position (GRCh38, 1-based): chr17:31,227,593-31,227,610, TGGAAGATGGCCAGGTAA deleted; deleting any 18 consecutive bases within chr17:31,227,591-31,227,610 gives the same sequence; the c. name uses the placement nearest the transcript's 3' end. VCF-style (leftmost placement, unchanged base first): chr17-31227590-AAATGGAAGATGGCCAGGT-A. GRCh37 (hg19) VCF-style: chr17-29554608-AAATGGAAGATGGCCAGGT-A.
Other names: c.2396_2409+4del (NM_000267.4).
Identifiers: ClinVar variation 855540 (VCV000855540.6), dbSNP rs2067039276, ClinGen allele CA916080612.
Genomic context (GRCh38, chr17:31,227,590, plus strand): 5'-AAGATACACATGCAAAATGGGAACAAGCAACAAAGCTAATCCTTAACTATCCAAAAGCCA[AAATGGAAGATGGCCAGGT>A]AAGTCTGTAAAGTTGACTTTTGTCTGTTAACTGATCTGCTAAATATATGTACTTCACTTT-3'